The following is an entry in ClinVar:

ClinVar aggregate classification (germline): Uncertain significance (1 of 4 stars; one submission).

Submission:

Greenwood Genetic Center Diagnostic Laboratories, Greenwood Genetic Center
Classification: Uncertain significance. Last evaluated: 2022-03-04. Review status: criteria provided, single submitter. Criteria: ACMG Guidelines, 2015. Collection method: clinical testing. Allele origin: germline. Affected: yes.
Comment: PM2

NM_020791.4(TAOK1):c.2362-1G>T

Gene: TAOK1 (TAO kinase 1; plus strand). Cytogenetic location: 17q11.2.
Variant type: single nucleotide variant.
Coding change: c.2362-1G>T on transcript NM_020791.4 (MANE Select); the canonical splice acceptor site of the intron before coding-DNA position 2362, G replaced by T.
Molecular consequence: splice acceptor variant.
Genome position (GRCh38, 1-based): chr17:29,534,117, G>T. VCF-style: chr17-29534117-G-T. GRCh37 (hg19) VCF-style: chr17-27861135-G-T.
Other names: c.1918-1G>T (NM_025142.1).
Identifiers: ClinVar variation 1676466 (VCV001676466.3), dbSNP rs2150774748, ClinGen allele CA398916804.
Genomic context (GRCh38, chr17:29,534,117, plus strand): 5'-ATGAATTGATAGCTAACATTAGGATATATCTTTTTTTTTTCTCTCTCTCTCTCTGTCTCA[G>T]CTGCGTTTGGATGAAGCACAGGAAGCAGAGTGCCAGGTTTTGAAGATGCAGCTGCAGCAG-3'